The following is an entry in ClinVar:

ClinVar aggregate classification (germline): Likely benign. Review status: criteria provided, single submitter (1 of 4 stars). 2 submissions from 2 submitters: Likely benign (1). 1 of the submissions does not count toward it. Last evaluated 2024-02-16.

Conditions:
SLC1A4-related disorder. Also called: SLC1A4-related condition.

Allele frequency attached by ClinVar (database versions not stated): 1000 Genomes Project 0.00020; gnomAD 0.00022; 1000 Genomes Project 30x 0.00031; TOPMed 0.00037; ESP Exome Variant Server 0.00046.
gnomAD v4.1: 101 of 1,612,136 alleles (0.0063%); highest among the groups gnomAD compares: African/African-American, 0.075%; no homozygotes.

Submissions (2):

Labcorp Genetics (formerly Invitae), Labcorp
Classification: Likely benign. Last evaluated: 2024-02-16. Review status: criteria provided, single submitter. Criteria: Invitae Variant Classification Sherloc (09022015). Collection method: clinical testing. Allele origin: germline.

PreventionGenetics, part of Exact Sciences
Classification: Likely benign for SLC1A4-related condition. Last evaluated: 2019-02-22. Review status: no assertion criteria provided. Collection method: clinical testing. Allele origin: germline. Not counted in ClinVar's aggregate classification.
Comment: This variant is classified as likely benign based on ACMG/AMP sequence variant interpretation guidelines (Richards et al. 2015 PMID: 25741868, with internal and published modifications).

NM_003038.5(SLC1A4):c.1041G>A (p.Ala347=)

Gene: SLC1A4 (solute carrier family 1 member 4; plus strand). Cytogenetic location: 2p14.
Variant type: single nucleotide variant.
Coding change: c.1041G>A on transcript NM_003038.5 (MANE Select); coding-DNA position 1041, G replaced by A.
Protein change: p.Ala347=; no amino-acid change (alanine 347 retained).
Molecular consequence: synonymous variant.
Genome position (GRCh38, 1-based): chr2:65,018,077, G>A. VCF-style: chr2-65018077-G-A. GRCh37 (hg19) VCF-style: chr2-65245211-G-A.
Other names: c.147G>A, p.Ala49= (NM_001193493.2); c.381G>A, p.Ala127= (NM_001348406.2, NM_001348407.2).
Identifiers: ClinVar variation 762126 (VCV000762126.11), dbSNP rs115498588, ClinGen allele CA1686058.
Genomic context (GRCh38, chr2:65,018,077, plus strand): 5'-TTAGCCTGCCTCGGACTGTTGTCATGTCTGGCGGTTTGTTTTTCCCATTTCTAGCTCAGC[G>A]ACCCTTCCCTCTATGATGAAGTGCATTGAAGAGAACAATGGTGTGGACAAGAGGATCAGC-3'
Protein context (NP_003029.2, residues 337-357): ATAFATCSSS[Ala347=]TLPSMMKCIE